The following is an entry in ClinVar:

NM_001130987.2(DYSF):c.2482C>A (p.Pro828Thr)

Gene: DYSF (dysferlin; plus strand). Cytogenetic location: 2p13.2.
Variant type: single nucleotide variant.
Coding change: c.2482C>A on transcript NM_001130987.2 (MANE Select); coding-DNA position 2482, C replaced by A.
Protein change: p.Pro828Thr; replaces proline 828 with threonine.
Molecular consequence: missense variant.
Genome position (GRCh38, 1-based): chr2:71,564,130, C>A. VCF-style: chr2-71564130-C-A. GRCh37 (hg19) VCF-style: chr2-71791260-C-A.
Other names: c.2431C>A, p.Pro811Thr (NM_001130455.2, NM_001130983.2); c.2386C>A, p.Pro796Thr (NM_001130976.2, NM_001130977.2); c.2428C>A, p.Pro810Thr (NM_001130978.2, NM_003494.4); c.2521C>A, p.Pro841Thr (NM_001130979.2); c.2479C>A, p.Pro827Thr (NM_001130980.2, NM_001130981.2); c.2524C>A, p.Pro842Thr (NM_001130982.2); c.2389C>A, p.Pro797Thr (NM_001130984.2, NM_001130986.2); c.2482C>A, p.Pro828Thr (NM_001130985.2); short protein forms P842T, P796T, P797T, P827T, P828T, P810T, P811T, P841T.
Identifiers: ClinVar variation 834657 (VCV000834657.11), dbSNP rs146819460, ClinGen allele CA1706185.

ClinVar aggregate classification (germline): Uncertain significance. Review status: criteria provided, multiple submitters, no conflicts (2 of 4 stars). 3 submissions from 3 submitters: Uncertain significance (2). 1 of the submissions does not count toward it. Last evaluated 2025-05-12.

Conditions:
Neuromuscular disease caused by qualitative or quantitative defects of dysferlin. Also called: Dysferlinopathy; Qualitative or quantitative defects of dysferlin. Identifiers: Orphanet 207073, MedGen C2931687, MONDO:0016145.
Autosomal recessive limb-girdle muscular dystrophy type 2B (LGMDR2). Also called: Limb-Girdle Muscular Dystrophy Type 2B (LGMD2B); MUSCULAR DYSTROPHY, LIMB-GIRDLE, TYPE 3; Limb-girdle muscular dystrophy, type 2B; MUSCULAR DYSTROPHY, LIMB-GIRDLE, AUTOSOMAL RECESSIVE 2. Identifiers: Orphanet 268, MedGen C1850889, MONDO:0009676, OMIM 253601.

Allele frequency attached by ClinVar (database versions not stated): TOPMed 0.00001; ESP Exome Variant Server 0.00015.
gnomAD v4.1: 7 of 1,614,128 alleles (0.00043%); highest among the groups gnomAD compares: Non-Finnish European, 0.00059%; no homozygotes.

Submissions (3):

Labcorp Genetics (formerly Invitae), Labcorp
Classification: Uncertain significance for Neuromuscular disease caused by qualitative or quantitative defects of dysferlin. Last evaluated: 2025-05-12. Review status: criteria provided, single submitter. Criteria: Invitae Variant Classification Sherloc (09022015). Collection method: clinical testing. Allele origin: germline.
Comment: This sequence change replaces proline, which is neutral and non-polar, with threonine, which is neutral and polar, at codon 810 of the DYSF protein (p.Pro810Thr). This variant is present in population databases (rs146819460, gnomAD 0.003%). This variant has not been reported in the literature in individuals affected with DYSF-related conditions. ClinVar contains an entry for this variant (Variation ID: 834657). Invitae Evidence Modeling of protein sequence and biophysical properties (such as structural, functional, and spatial information, amino acid conservation, physicochemical variation, residue mobility, and thermodynamic stability) indicates that this missense variant is expected to disrupt DYSF protein function with a positive predictive value of 95%. In summary, the available evidence is currently insufficient to determine the role of this variant in disease. Therefore, it has been classified as a Variant of Uncertain Significance.

Revvity Omics, Revvity
Classification: Uncertain significance. Last evaluated: 2024-06-18. Review status: criteria provided, single submitter. Criteria: ACMG Guidelines, 2015. Collection method: clinical testing. Allele origin: germline.

Natera, Inc.
Classification: Uncertain significance for Limb-girdle muscular dystrophy type 2B. Last evaluated: 2020-10-06. Review status: no assertion criteria provided. Collection method: clinical testing. Allele origin: germline. Not counted in ClinVar's aggregate classification.